The following is an entry in ClinVar:

NM_013275.6(ANKRD11):c.1874A>C (p.Glu625Ala)

Gene: ANKRD11 (ankyrin repeat domain 11; minus strand). Cytogenetic location: 16q24.3.
Variant type: single nucleotide variant.
Coding change: c.1874A>C on transcript NM_013275.6 (MANE Select); coding-DNA position 1874, A replaced by C.
Protein change: p.Glu625Ala; replaces glutamic acid 625 with alanine.
Molecular consequence: missense variant.
Genome position (GRCh38, 1-based): chr16:89,284,668, T>G on the plus strand (A>C on the coding strand, the complement: ANKRD11 is on the minus strand). VCF-style: chr16-89284668-T-G. GRCh37 (hg19) VCF-style: chr16-89351076-T-G.
Other names: c.1874A>C, p.Glu625Ala (NM_001256182.2, NM_001256183.2); short protein forms E625A.
Identifiers: ClinVar variation 5009844 (VCV005009844.1).
Genomic context (GRCh38, chr16:89,284,668, plus strand): 5'-TGTCCCTTCTCCTTGTTTTTGTGTTTGTGTTTTGTTTTATGTTTTTTGACAACTTTCCCC[T>G]CCTTGTCCAGTTTGGGGACAGCGCCCTCCGCGCTGGACAGGAAGGGGCTCTTCTTCTCCG-3'
Protein context (NP_037407.4, residues 615-635): AEGAVPKLDK[Glu625Ala]GKVVKKHKTK

ClinVar aggregate classification (germline): Uncertain significance (1 of 4 stars; one submission).

gnomAD v4.1: 1 of 1,614,088 alleles (0.000062%); highest among the groups gnomAD compares: Non-Finnish European, 0.000085%; no homozygotes.

Submission:

GeneDx
Classification: Uncertain significance. Last evaluated: 2026-03-17. Review status: criteria provided, single submitter. Criteria: GeneDx Variant Classification Process June 2021. Collection method: clinical testing. Allele origin: germline.
Comment: Reported in an individual from a large cohort of patients with congenital heart disease; however, patient-specific clinical information was limited and additional variants in other genes were observed (PMID: 40127276); Not observed at significant frequency in large population cohorts (gnomAD); In silico analysis supports that this missense variant has a deleterious effect on protein structure/function; This variant is associated with the following publications: (PMID: 40127276)